The following is an entry in ClinVar:

ClinVar aggregate classification (germline): Benign/Likely benign. Review status: criteria provided, multiple submitters, no conflicts (2 of 4 stars). 3 submissions from 3 submitters: Benign (1); Likely benign (2). Last evaluated 2025-12-29.

Conditions:
KMT2D-related disorder. Also called: KMT2D-Related Disorders.
Kabuki syndrome. Also called: Kabuki make-up syndrome; NIIKAWA-KUROKI SYNDROME. Identifiers: Orphanet 2322, MedGen C0796004, MONDO:0016512.

Allele frequency attached by ClinVar (database versions not stated): ExAC 0.00008; gnomAD exomes 0.00008 and 0.00016.
gnomAD v4.1: 230 of 1,523,180 alleles (0.015%); highest among the groups gnomAD compares: Non-Finnish European, 0.019%; no homozygotes.

Submissions (3):

PreventionGenetics, part of Exact Sciences
Classification: Likely benign for KMT2D-related condition. Last evaluated: 2025-12-29. Review status: criteria provided, single submitter. Criteria: ACMG Guidelines, 2015. Collection method: clinical testing. Allele origin: germline.
Comment: This variant is classified as likely benign based on ACMG/AMP sequence variant interpretation guidelines (Richards et al. 2015 PMID: 25741868, with internal and published modifications).

Women's Health and Genetics/Laboratory Corporation of America, LabCorp
Classification: Likely benign. Last evaluated: 2025-12-09. Review status: criteria provided, single submitter. Criteria: LabCorp Variant Classification Summary - May 2015. Collection method: clinical testing. Allele origin: germline.
Comment: Variant summary: KMT2D c.6620C>T (p.Ala2207Val) results in a non-conservative amino acid change in the encoded protein sequence. Algorithms developed to predict the effect of missense changes on protein structure and function are either unavailable or do not agree on the potential impact of this missense change. The variant allele was found at a frequency of 8.3e-05 in 167874 control chromosomes. This frequency is not significantly higher than estimated for disease-causing variants in KMT2D, allowing no conclusion about variant significance. To our knowledge, no occurrence of c.6620C>T in individuals affected with KMT2D-related conditions and no experimental evidence demonstrating its impact on protein function have been reported. ClinVar contains an entry for this variant (Variation ID: 1394092). Based on the evidence outlined above, the variant was classified as likely benign.

Labcorp Genetics (formerly Invitae), Labcorp
Classification: Benign for Kabuki syndrome. Last evaluated: 2025-06-12. Review status: criteria provided, single submitter. Criteria: Invitae Variant Classification Sherloc (09022015). Collection method: clinical testing. Allele origin: germline.

NM_003482.4(KMT2D):c.6620C>T (p.Ala2207Val)

Gene: KMT2D (lysine methyltransferase 2D; minus strand). Cytogenetic location: 12q13.12.
Variant type: single nucleotide variant.
Coding change: c.6620C>T on transcript NM_003482.4 (MANE Select); coding-DNA position 6620, C replaced by T.
Protein change: p.Ala2207Val; replaces alanine 2207 with valine.
Molecular consequence: missense variant.
Genome position (GRCh38, 1-based): chr12:49,041,150, G>A on the plus strand (C>T on the coding strand, the complement: KMT2D is on the minus strand). VCF-style: chr12-49041150-G-A. GRCh37 (hg19) VCF-style: chr12-49434933-G-A.
Other names: c.6620C>T (NM_003482.3); short protein forms A2207V.
Identifiers: ClinVar variation 1394092 (VCV001394092.9), dbSNP rs747613578, ClinGen allele CA6547214.